The following is an entry in ClinVar:

NM_003998.4(NFKB1):c.490A>T (p.Arg164Trp)

Gene: NFKB1 (nuclear factor kappa B subunit 1; plus strand). Cytogenetic location: 4q24.
Variant type: single nucleotide variant.
Coding change: c.490A>T on transcript NM_003998.4 (MANE Select); coding-DNA position 490, A replaced by T.
Protein change: p.Arg164Trp; replaces arginine 164 with tryptophan.
Molecular consequence: missense variant.
Genome position (GRCh38, 1-based): chr4:102,576,958, A>T. VCF-style: chr4-102576958-A-T. GRCh37 (hg19) VCF-style: chr4-103498115-A-T.
Other names: c.487A>T, p.Arg163Trp (NM_001165412.2, NM_001319226.2, NM_001382627.1); c.490A>T, p.Arg164Trp (NM_001382625.1, NM_001382626.1); c.448A>T, p.Arg150Trp (NM_001382628.1); short protein forms R150W, R163W, R164W.
Identifiers: ClinVar variation 2047655 (VCV002047655.4), dbSNP rs2476403235, ClinGen allele CA357959223.

ClinVar aggregate classification (germline): Uncertain significance (1 of 4 stars; one submission).

gnomAD v4.1: 1 of 1,613,982 alleles (0.000062%); highest among the groups gnomAD compares: Non-Finnish European, 0.000085%; no homozygotes.

Submission:

Labcorp Genetics (formerly Invitae), Labcorp
Classification: Uncertain significance. Last evaluated: 2022-07-06. Review status: criteria provided, single submitter. Criteria: Invitae Variant Classification Sherloc (09022015). Collection method: clinical testing. Allele origin: germline.
Comment: This sequence change replaces arginine, which is basic and polar, with tryptophan, which is neutral and slightly polar, at codon 164 of the NFKB1 protein (p.Arg164Trp). This variant is not present in population databases (gnomAD no frequency). This variant has not been reported in the literature in individuals affected with NFKB1-related conditions. Algorithms developed to predict the effect of missense changes on protein structure and function are either unavailable or do not agree on the potential impact of this missense change (SIFT: "Deleterious"; PolyPhen-2: "Benign"; Align-GVGD: "Class C0"). In summary, the available evidence is currently insufficient to determine the role of this variant in disease. Therefore, it has been classified as a Variant of Uncertain Significance.